The following is an entry in ClinVar:

ClinVar aggregate classification (germline): Uncertain significance (1 of 4 stars; one submission).

Conditions:
Retinoblastoma (RB1). Also called: RETINOBLASTOMA, SOMATIC. Identifiers: Orphanet 790, MedGen C0035335, MeSH D012175, MONDO:0008380, OMIM 180200, HP:0009919. Disease mechanism: loss of function. Inheritance: Both sporadic and heritable forms are tested..

Submission:

Labcorp Genetics (formerly Invitae), Labcorp
Classification: Uncertain significance for Retinoblastoma. Last evaluated: 2024-06-18. Review status: criteria provided, single submitter. Criteria: Invitae Variant Classification Sherloc (09022015). Collection method: clinical testing. Allele origin: germline.
Comment: This sequence change replaces isoleucine, which is neutral and non-polar, with phenylalanine, which is neutral and non-polar, at codon 785 of the RB1 protein (p.Ile785Phe). This variant is not present in population databases (gnomAD no frequency). This variant has not been reported in the literature in individuals affected with RB1-related conditions. Advanced modeling of protein sequence and biophysical properties (such as structural, functional, and spatial information, amino acid conservation, physicochemical variation, residue mobility, and thermodynamic stability) performed at Invitae indicates that this missense variant is expected to disrupt RB1 protein function with a positive predictive value of 80%. In summary, the available evidence is currently insufficient to determine the role of this variant in disease. Therefore, it has been classified as a Variant of Uncertain Significance.

NM_000321.3(RB1):c.2353A>T (p.Ile785Phe)

Gene: RB1 (RB transcriptional corepressor 1; plus strand). Cytogenetic location: 13q14.2.
Variant type: single nucleotide variant.
Coding change: c.2353A>T on transcript NM_000321.3 (MANE Select); coding-DNA position 2353, A replaced by T.
Protein change: p.Ile785Phe; replaces isoleucine 785 with phenylalanine.
Molecular consequence: missense variant.
Genome position (GRCh38, 1-based): chr13:48,465,232, A>T. VCF-style: chr13-48465232-A-T. GRCh37 (hg19) VCF-style: chr13-49039368-A-T.
Other names: c.2353A>T, p.Ile785Phe (NM_001407165.1); short protein forms I785F.
Identifiers: ClinVar variation 3656905 (VCV003656905.2).